The following is an entry in ClinVar:

NM_012203.2(GRHPR):c.149C>T (p.Ala50Val)

Gene: GRHPR (glyoxylate and hydroxypyruvate reductase; plus strand). Cytogenetic location: 9p13.2.
Variant type: single nucleotide variant.
Coding change: c.149C>T on transcript NM_012203.2 (MANE Select); coding-DNA position 149, C replaced by T.
Protein change: p.Ala50Val; replaces alanine 50 with valine.
Molecular consequence: missense variant.
Genome position (GRCh38, 1-based): chr9:37,424,910, C>T. VCF-style: chr9-37424910-C-T. GRCh37 (hg19) VCF-style: chr9-37424907-C-T.
Other names: short protein forms A50V.
Identifiers: ClinVar variation 913618 (VCV000913618.11), dbSNP rs150805048, ClinGen allele CA5058936.

ClinVar aggregate classification (germline): Uncertain significance. Review status: criteria provided, multiple submitters, no conflicts (2 of 4 stars). 5 submissions from 5 submitters: Uncertain significance (5). Last evaluated 2024-11-01.

Conditions:
Primary hyperoxaluria, type II (HP2). Also called: Primary hyperoxaluria type 2; D-GLYCERATE DEHYDROGENASE DEFICIENCY; GLYCERIC ACIDURIA; GLYOXYLATE REDUCTASE/HYDROXYPYRUVATE REDUCTASE DEFICIENCY; OXALOSIS II. Identifiers: Orphanet 416, Orphanet 93599, MedGen C0268165, MONDO:0009824, OMIM 260000. Disease mechanism: loss of function.
Nephrolithiasis/nephrocalcinosis. Identifiers: MedGen CN580796.

Allele frequency attached by ClinVar (database versions not stated): ExAC 0.00004; gnomAD exomes 0.00005 and 0.00007; TOPMed 0.00006; gnomAD 0.00011; ESP Exome Variant Server 0.00015.

Submissions (5):

Labcorp Genetics (formerly Invitae), Labcorp
Classification: Uncertain significance. Last evaluated: 2024-11-01. Review status: criteria provided, single submitter. Criteria: Invitae Variant Classification Sherloc (09022015). Collection method: clinical testing. Allele origin: germline.
Comment: This sequence change replaces alanine, which is neutral and non-polar, with valine, which is neutral and non-polar, at codon 50 of the GRHPR protein (p.Ala50Val). This variant is present in population databases (rs150805048, gnomAD 0.02%). This variant has not been reported in the literature in individuals affected with GRHPR-related conditions. ClinVar contains an entry for this variant (Variation ID: 913618). Invitae Evidence Modeling of protein sequence and biophysical properties (such as structural, functional, and spatial information, amino acid conservation, physicochemical variation, residue mobility, and thermodynamic stability) indicates that this missense variant is not expected to disrupt GRHPR protein function with a negative predictive value of 95%. In summary, the available evidence is currently insufficient to determine the role of this variant in disease. Therefore, it has been classified as a Variant of Uncertain Significance.

Department of Pathology and Laboratory Medicine, Sinai Health System
Classification: Uncertain significance for Primary hyperoxaluria, type II. Last evaluated: 2023-06-15. Review status: criteria provided, single submitter. Criteria: ACMG Guidelines, 2015. Collection method: research. Allele origin: germline.

Ambry Genetics
Classification: Uncertain significance for Nephrolithiasis/nephrocalcinosis. Last evaluated: 2022-06-22. Review status: criteria provided, single submitter. Criteria: Ambry Variant Classification Scheme 2023. Collection method: clinical testing. Allele origin: germline.
Comment: The p.A50V variant (also known as c.149C>T), located in coding exon 2 of the GRHPR gene, results from a C to T substitution at nucleotide position 149. The alanine at codon 50 is replaced by valine, an amino acid with similar properties. This amino acid position is conserved. In addition, this alteration is predicted to be tolerated by in silico analysis. Since supporting evidence is limited at this time, the clinical significance of this alteration remains unclear.

Fulgent Genetics
Classification: Uncertain significance for Primary hyperoxaluria, type II. Last evaluated: 2021-12-14. Review status: criteria provided, single submitter. Criteria: ACMG Guidelines, 2015. Collection method: clinical testing. Allele origin: unknown.

Illumina Laboratory Services, Illumina
Classification: Uncertain significance for Primary hyperoxaluria, type II. Last evaluated: 2018-01-12. Review status: criteria provided, single submitter. Criteria: ICSL Variant Classification Criteria 13 December 2019. Collection method: clinical testing. Allele origin: germline.